The following is an entry in ClinVar:

NM_000059.4(BRCA2):c.8434GGA[1] (p.Gly2813del)

Gene: BRCA2 (BRCA2 DNA repair associated; plus strand). Cytogenetic location: 13q13.1.
Variant type: Microsatellite.
Coding change: c.8434GGA[1] on transcript NM_000059.4 (MANE Select); one copy of the 3-base unit GGA starting at c.8434; the reference has two copies in a row; one copy, 3 bases deleted; also written c.8437_8439del.
Protein change: p.Gly2813del; deletes glycine 2813.
Molecular consequence: inframe deletion.
Genome position (GRCh38, 1-based): chr13:32,370,507-32,370,509, GGA deleted; deleting any 3 consecutive bases within chr13:32,370,504-32,370,509 gives the same sequence; the position shown is the placement nearest the transcript's 3' end. VCF-style (leftmost placement, unchanged base first): chr13-32370503-TGGA-T. GRCh37 (hg19) VCF-style: chr13-32944640-TGGA-T.
Other names: c.8437_8439delGGA (NM_000059.3); c.8437_8439del (NM_000059.4); short protein forms G2813del.
Identifiers: ClinVar variation 52588 (VCV000052588.10), dbSNP rs397507986, ClinGen allele CA025645.

ClinVar aggregate classification (germline): Uncertain significance. Review status: criteria provided, multiple submitters, no conflicts (2 of 4 stars). 7 submissions from 7 submitters: Uncertain significance (5). 2 of the submissions do not count toward it. Last evaluated 2025-07-10.

Conditions:
Hereditary breast ovarian cancer syndrome. Also called: Hereditary breast and ovarian cancer syndrome; Hereditary breast and ovarian cancer; Hereditary breast and ovarian cancer syndrome (HBOC); Breast and ovarian cancer; Hereditary breast and/or ovarian cancer syndrome; BRCA1- and BRCA2-Associated Hereditary Breast and Ovarian Cancer. Identifiers: Orphanet 145, MedGen C0677776, MeSH D061325, MONDO:0003582. Disease mechanism: loss of function.
Familial cancer of breast. Also called: BREAST CANCER, FAMILIAL; Hereditary breast cancer; hereditary breast carcinoma. Identifiers: Orphanet 227535, MedGen C0346153, MONDO:0016419, OMIM 114480. Disease mechanism: loss of function.
Malignant tumor of breast. Also called: Malignant breast neoplasm; Cancer breast. Identifiers: MedGen C0006142, MONDO:0007254. Disease mechanism: loss of function.
Hereditary cancer-predisposing syndrome. Also called: Neoplastic Syndromes, Hereditary; Tumor predisposition; Hereditary Cancer Syndrome; Hereditary neoplastic syndrome. Identifiers: Orphanet 140162, MedGen C0027672, MeSH D009386, MONDO:0015356.

Submissions (7):

Color Diagnostics, LLC DBA Color Health
Classification: Uncertain significance for Hereditary cancer-predisposing syndrome. Last evaluated: 2025-07-10. Review status: criteria provided, single submitter. Criteria: ACMG Guidelines, 2015. Collection method: clinical testing. Allele origin: germline.
Comment: This variant causes an in-frame deletion of one amino acid in the DNA-binding domain of the BRCA2 protein. To our knowledge, functional studies have not been reported for this variant. This variant has been reported in individuals affected with breast or ovarian cancer (PMID: 29240602, 34645131). This variant has not been identified in the general population by the Genome Aggregation Database (gnomAD). The available evidence is insufficient to determine the role of this variant in disease conclusively. Therefore, this variant is classified as a Variant of Uncertain Significance.

Labcorp Genetics (formerly Invitae), Labcorp
Classification: Uncertain significance for Hereditary breast ovarian cancer syndrome. Last evaluated: 2023-11-08. Review status: criteria provided, single submitter. Criteria: Invitae Variant Classification Sherloc (09022015). Collection method: clinical testing. Allele origin: germline.
Comment: This variant, c.8437_8439del, results in the deletion of 1 amino acid(s) of the BRCA2 protein (p.Gly2813del), but otherwise preserves the integrity of the reading frame. This variant is not present in population databases (gnomAD no frequency). This variant has been observed in individual(s) with clinical features consistent with hereditary breast and ovarian cancer syndrome (PMID: 16949048, 26402875, 29240602, 34645131). This variant is also known as 8665_8667delGGA; c.8662delGGA. ClinVar contains an entry for this variant (Variation ID: 52588). Experimental studies and prediction algorithms are not available or were not evaluated, and the functional significance of this variant is currently unknown. In summary, the available evidence is currently insufficient to determine the role of this variant in disease. Therefore, it has been classified as a Variant of Uncertain Significance.

Ambry Genetics
Classification: Uncertain significance for Hereditary cancer-predisposing syndrome. Last evaluated: 2023-09-30. Review status: criteria provided, single submitter. Criteria: Ambry Variant Classification Scheme 2023. Collection method: clinical testing. Allele origin: germline.
Comment: The c.8437_8439delGGA variant (also known as p.G2813del) is located in coding exon 18 of the BRCA2 gene. This variant results from an in-frame GGA deletion at nucleotide positions 8437 to 8439. This results in the in-frame deletion of a glycine at codon 2813. This alteration has been identified in individuals diagnosed with breast and/or ovarian cancer (Han SH et al. Clin Genet, 2006 Dec;70:496-501; Kim BY et al. Biochem Biophys Res Commun, 2006 Oct;349:604-10; Choi MC et al. Int J Gynecol Cancer, 2018 Feb;28:308-315). Of note, this alteration is also known as 8662delGGA in published literature. This amino acid position is highly conserved in available vertebrate species. In addition, the in silico prediction for this alteration is inconclusive (Choi Y et al. PLoS ONE. 2012; 7(10):e46688). Since supporting evidence is limited at this time, the clinical significance of this alteration remains unclear.

Quest Diagnostics Nichols Institute San Juan Capistrano
Classification: Uncertain significance. Last evaluated: 2023-09-14. Review status: criteria provided, single submitter. Criteria: Quest Diagnostics criteria. Collection method: clinical testing. Allele origin: unknown.
Comment: In the published literature, this variant has been reported in individuals with breast cancer (PMID: 34645131 (2022), 16949048 (2006)) and ovarian cancer (PMID: 26402875 (2015)). This variant has also been reported in an unaffected individual (PMID: 32467295 (2020)). This variant has not been reported in large, multi-ethnic general populations (Genome Aggregation Database). Based on the available information, we are unable to determine the clinical significance of this variant.

Laboratory for Molecular Medicine, Mass General Brigham Personalized Medicine
Classification: Uncertain significance. Last evaluated: 2021-11-09. Review status: criteria provided, single submitter. Criteria: ACMG Guidelines, 2015. Collection method: clinical testing. Allele origin: germline.
Comment: The p.Gly2813del variant in BRCA2 has been reported in 3 individuals with breast or ovarian cancer and segregated with disease in 1 affected relative (Kim 2006 PMID: 16949048, Choi 2015 PMID: 26402875, Gao 2020 PMID: 31825140). It was absent from large population studies. This variant has also been reported in ClinVar (Variation ID 52588). This variant is a deletion of 1 amino acid at position 2813 and is not predicted to alter the protein reading-frame. It is unclear if this deletion will impact the protein. In summary, the clinical significance of this variant is uncertain. ACMG/AMP Criteria applied: PS4_Supporting, PM2_Supporting, PM4_Supporting.

ClinVar Staff, National Center for Biotechnology Information (NCBI)
No classification provided. Condition: Familial cancer of breast. Review status: no classification provided. Collection method: literature only. Allele origin: germline. Affected: yes. Not counted in ClinVar's aggregate classification.

Department of Pathology and Laboratory Medicine, Sinai Health System
Classification: Uncertain significance for Malignant tumor of breast. Review status: no assertion criteria provided. Collection method: clinical testing. Allele origin: unknown. Affected: yes. Study: The Canadian Open Genetics Repository (COGR). Not counted in ClinVar's aggregate classification.
Comment: The BRCA2 p.Gly2813del variant was identified in 2 of 2180 proband chromosomes (frequency: 0.001) from individuals or families with breast or ovarian cancer and was not identified in 334 control chromosomes from healthy individuals (Kim 2006, Choi 2018). The variant was also identified in dbSNP (ID: rs397507986, as â€šÃ„ÃºWith untested alleleâ€šÃ„Ã¹), in ClinVar (clinical significance not provided), and ARUP Laboratories (as Definitely pathogenic) databases. The variant was not identified in GeneInsight-COGR, Clinvitae, Cosmic, LOVD 3.0, UMD-LSDB, BIC Database, or Zhejiang University Database. The variant was not identified in the following control databases: the 1000 Genomes Project, the NHLBI GO Exome Sequencing Project, the Exome Aggregation Consortium (August 8th 2016), or the Genome Aggregation Database (Feb 27, 2017). This variant is an in-frame deletion resulting in the removal of a glycine (gly) residue at codon 2813; the impact of this alteration on BRCA2 protein function is not known. Although in silico protein prediction algorithms are not designed to predict the functioneffect of in-frame deletions the p.Gly2813 reside is well conserved across many species. The variant occurs outside of the splicing consensus sequence and 1 of 5 in silico or computational prediction software programs (SpliceSiteFinder, MaxEntScan, NNSPLICE, GeneSplicer, HumanSpliceFinder) predict a greater than 10% difference in splicing; this is not very predictive of pathogenicity. In summary, based on the above information the clinical significance of this variant cannot be determined with certainty at this time. This variant is classified as a variant of uncertain significance.

Literature cited by the submitters: PubMed 29240602 (cited by 4 submitters); PubMed 34645131 (cited by 3 submitters); PubMed 16949048 (cited by 5 submitters); PubMed 26402875 (cited by Labcorp Genetics (formerly Invitae), Labcorp and Quest Diagnostics Nichols Institute San Juan Capistrano); PubMed 17100994 (cited by Ambry Genetics); PubMed 32467295 (cited by Quest Diagnostics Nichols Institute San Juan Capistrano).